The following is an entry in ClinVar:

NM_000059.4(BRCA2):c.3554C>T (p.Thr1185Ile)

Gene: BRCA2 (BRCA2 DNA repair associated; plus strand). Cytogenetic location: 13q13.1.
Variant type: single nucleotide variant.
Coding change: c.3554C>T on transcript NM_000059.4 (MANE Select); coding-DNA position 3554, C replaced by T.
Protein change: p.Thr1185Ile; replaces threonine 1185 with isoleucine.
Molecular consequence: missense variant.
Genome position (GRCh38, 1-based): chr13:32,337,909, C>T. VCF-style: chr13-32337909-C-T. GRCh37 (hg19) VCF-style: chr13-32912046-C-T.
Other names: short protein forms T1185I.
Identifiers: ClinVar variation 649270 (VCV000649270.11), dbSNP rs1593899867, ClinGen allele CA387777248.
Genomic context (GRCh38, chr13:32,337,909, plus strand): 5'-ATGTCATAATGAATGCCCCATCGATTGGTCAGGTAGACAGCAGCAAGCAATTTGAAGGTA[C>T]AGTTGAAATTAAACGGAAGTTTGCTGGCCTGTTGAAAAATGACTGTAACAAAAGTGCTTC-3'
Protein context (NP_000050.3, residues 1175-1195): QVDSSKQFEG[Thr1185Ile]VEIKRKFAGL

ClinVar aggregate classification (germline): Conflicting classifications of pathogenicity. Review status: criteria provided, conflicting classifications (1 of 4 stars). 4 submissions from 4 submitters: Uncertain significance (2); Likely benign (2). Last evaluated 2025-02-04.

Conditions:
BRCA2-related cancer predisposition. Identifiers: MedGen CN377758, MONDO:0700269.
Hereditary cancer-predisposing syndrome. Also called: Neoplastic Syndromes, Hereditary; Tumor predisposition; Hereditary Cancer Syndrome; Hereditary neoplastic syndrome. Identifiers: Orphanet 140162, MedGen C0027672, MeSH D009386, MONDO:0015356.
Hereditary breast ovarian cancer syndrome. Also called: Breast and ovarian cancer; BRCA1- and BRCA2-Associated Hereditary Breast and Ovarian Cancer; Hereditary breast and ovarian cancer; Hereditary breast and ovarian cancer syndrome (HBOC); Hereditary breast and/or ovarian cancer syndrome; Hereditary breast and ovarian cancer syndrome. Identifiers: Orphanet 145, MedGen C0677776, MeSH D061325, MONDO:0003582. Disease mechanism: loss of function.

Submissions (4):

Ambry Genetics
Classification: Likely benign for Hereditary cancer-predisposing syndrome. Last evaluated: 2025-02-04. Review status: criteria provided, single submitter. Criteria: Ambry Variant Classification Scheme 2023. Collection method: clinical testing. Allele origin: germline.

University of Washington Department of Laboratory Medicine, University of Washington
Classification: Likely benign for Hereditary cancer-predisposing syndrome. Last evaluated: 2023-03-23. Review status: criteria provided, single submitter. Criteria: Dines et al. (Genet Med. 2020). Collection method: curation. Allele origin: germline.
Comment: Missense variant in a coldspot region where missense variants are very unlikely to be pathogenic (PMID:31911673).

BRCA2 exon 11 coldspot. Reclassification based on statistical prior probability.

Labcorp Genetics (formerly Invitae), Labcorp
Classification: Uncertain significance for Hereditary breast ovarian cancer syndrome. Last evaluated: 2020-06-09. Review status: criteria provided, single submitter. Criteria: Invitae Variant Classification Sherloc (09022015). Collection method: clinical testing. Allele origin: germline.
Comment: This variant has not been reported in the literature in individuals with BRCA2-related conditions. Algorithms developed to predict the effect of missense changes on protein structure and function output the following: SIFT: "Tolerated"; PolyPhen-2: "Benign"; Align-GVGD: "Class C0". The isoleucine amino acid residue is found in multiple mammalian species, suggesting that this missense change does not adversely affect protein function. These predictions have not been confirmed by published functional studies and their clinical significance is uncertain. In summary, the available evidence is currently insufficient to determine the role of this variant in disease. Therefore, it has been classified as a Variant of Uncertain Significance. This sequence change replaces threonine with isoleucine at codon 1185 of the BRCA2 protein (p.Thr1185Ile). The threonine residue is weakly conserved and there is a moderate physicochemical difference between threonine and isoleucine. This variant is not present in population databases (ExAC no frequency).

Department of Pathology and Laboratory Medicine, Sinai Health System
Classification: Uncertain significance for BRCA2-related cancer predisposition. Last evaluated: 2020-01-13. Review status: criteria provided, single submitter. Criteria: ACMG Guidelines, 2015. Collection method: clinical testing. Allele origin: germline.